The following is an entry in ClinVar:

NM_003070.5(SMARCA2):c.3467C>G (p.Ala1156Gly)

Gene: SMARCA2 (SWI/SNF related BAF chromatin remodeling complex subunit ATPase 2; plus strand). Cytogenetic location: 9p24.3.
Variant type: single nucleotide variant.
Coding change: c.3467C>G on transcript NM_003070.5 (MANE Select); coding-DNA position 3467, C replaced by G.
Protein change: p.Ala1156Gly; replaces alanine 1156 with glycine.
Molecular consequence: missense variant.
Genome position (GRCh38, 1-based): chr9:2,115,832, C>G. VCF-style: chr9-2115832-C-G. GRCh37 (hg19) VCF-style: chr9-2115832-C-G.
Other names: c.3467C>G, p.Ala1156Gly (NM_001289396.2, NM_139045.4); c.3293C>G, p.Ala1098Gly (NM_001289397.2); short protein forms A1098G, A1156G.
Identifiers: ClinVar variation 4539023 (VCV004539023.1).
Genomic context (GRCh38, chr9:2,115,832, plus strand): 5'-TGCCTATGCCAGGCATCTCAGTCCTCATAGCATATTGACCCCCCAAACAGGATCTGCAGG[C>G]CCAAGACCGAGCTCACCGCATCGGGCAGCAGAACGAGGTCCGGGTACTGAGGCTCTGTAC-3'
Protein context (NP_003061.3, residues 1146-1166): SDWNPHQDLQ[Ala1156Gly]QDRAHRIGQQ

ClinVar aggregate classification (germline): Likely pathogenic (1 of 4 stars; one submission).

Conditions:
Autosomal dominant epilepsy.

Submission:

Clinical Genetics Laboratory, Skane University Hospital Lund
Classification: Likely pathogenic. Last evaluated: 2025-12-30. Review status: criteria provided, single submitter. Criteria: ACMG Guidelines, 2015. Collection method: clinical testing. Allele origin: de novo. Inheritance: Autosomal dominant inheritance. Affected: yes.
Comment: SMARCA2 (NM_003070.5) c.3467C>G p.(Ala1156Gly) represents a heterozygous nucleotide substitution in exon 25 of 34, which leads to an amino acid change. SMARCA2 c.3467C>G has not been identified in the general population (gnomAD) and has not previously been described in ClinVar or in the literature. The variant is located in a functionally important protein domain (PMID: 37500730). In silico tools predict the variant to be damaging. The variant has been classified as likely pathogenic based on the following ACMG criteria: PS2 (moderate), PM1, PM2, and PP3.